The following is an entry in ClinVar:

NM_004415.4(DSP):c.8236A>T (p.Ser2746Cys)

Gene: DSP (desmoplakin; plus strand). Cytogenetic location: 6p24.3.
Variant type: single nucleotide variant.
Coding change: c.8236A>T on transcript NM_004415.4 (MANE Select); coding-DNA position 8236, A replaced by T.
Protein change: p.Ser2746Cys; replaces serine 2746 with cysteine.
Molecular consequence: missense variant.
Genome position (GRCh38, 1-based): chr6:7,585,498, A>T. VCF-style: chr6-7585498-A-T. GRCh37 (hg19) VCF-style: chr6-7585731-A-T.
Other names: c.6439A>T, p.Ser2147Cys (NM_001008844.3); c.6907A>T, p.Ser2303Cys (NM_001319034.2); short protein forms S2147C, S2746C, S2303C.
Identifiers: ClinVar variation 4792910 (VCV004792910.2).

ClinVar aggregate classification (germline): Uncertain significance. Review status: criteria provided, multiple submitters, no conflicts (2 of 4 stars). 2 submissions from 2 submitters: Uncertain significance (2). Last evaluated 2025-07-27.

Conditions:
Arrhythmogenic cardiomyopathy with wooly hair and keratoderma. Also called: PALMOPLANTAR KERATODERMA WITH LEFT VENTRICULAR CARDIOMYOPATHY AND WOOLLY HAIR; Carvajal syndrome; Dilated cardiomyopathy with woolly hair and keratoderma; Arrhythmogenic cardiomyopathy with woolly hair and keratoderma. Identifiers: Orphanet 65282, MedGen C1854063, MONDO:0011581, OMIM 605676.
Arrhythmogenic right ventricular dysplasia 8 (ARVD8). Also called: ARRHYTHMOGENIC RIGHT VENTRICULAR DYSPLASIA, FAMILIAL, 8; ARRHYTHMOGENIC RIGHT VENTRICULAR CARDIOMYOPATHY 8; Arrhythmogenic Right Ventricular Dysplasia/Cardiomyopathy 8. Identifiers: MedGen C1843896, MONDO:0011831, OMIM 607450.

gnomAD v4.1: 2 of 1,614,192 alleles (0.00012%); highest among the groups gnomAD compares: Non-Finnish European, 0.00017%; no homozygotes.

Submissions (2):

Labcorp Genetics (formerly Invitae), Labcorp
Classification: Uncertain significance for Arrhythmogenic cardiomyopathy with wooly hair and keratoderma; Arrhythmogenic right ventricular dysplasia 8. Last evaluated: 2025-07-27. Review status: criteria provided, single submitter. Criteria: Invitae Variant Classification Sherloc (09022015). Collection method: clinical testing. Allele origin: germline.
Comment: This sequence change replaces serine, which is neutral and polar, with cysteine, which is neutral and slightly polar, at codon 2746 of the DSP protein (p.Ser2746Cys). This variant is not present in population databases (gnomAD no frequency). This variant has not been reported in the literature in individuals affected with DSP-related conditions. An algorithm developed to predict the effect of missense changes on protein structure and function (PolyPhen-2) suggests that this variant is likely to be disruptive. In summary, the available evidence is currently insufficient to determine the role of this variant in disease. Therefore, it has been classified as a Variant of Uncertain Significance.

Blueprint Genetics
Classification: Uncertain significance. Last evaluated: 2023-11-14. Review status: criteria provided, single submitter. Criteria: ACMG Guidelines, 2015. Collection method: clinical testing. Allele origin: germline.